The following is an entry in ClinVar:

ClinVar aggregate classification (germline): Uncertain significance. Review status: criteria provided, multiple submitters, no conflicts (2 of 4 stars). 3 submissions from 3 submitters: Uncertain significance (2). 1 of the submissions does not count toward it. Last evaluated 2024-01-15.

Conditions:
Bardet-Biedl syndrome 10 (BBS10). Identifiers: Orphanet 110, MedGen C1859568, MONDO:0014438, OMIM 615987.
BBS10-related disorder. Also called: BBS10-related condition.
Bardet-Biedl syndrome (BBS). Identifiers: Orphanet 110, MedGen C0752166, MONDO:0015229.

Allele frequency attached by ClinVar (database versions not stated): TOPMed below 0.00001; gnomAD 0.00001.

Submissions (3):

Fulgent Genetics
Classification: Uncertain significance for Bardet-Biedl syndrome 10. Last evaluated: 2024-01-15. Review status: criteria provided, single submitter. Criteria: ACMG Guidelines, 2015. Collection method: clinical testing. Allele origin: germline.

Labcorp Genetics (formerly Invitae), Labcorp
Classification: Uncertain significance for Bardet-Biedl syndrome. Last evaluated: 2022-10-03. Review status: criteria provided, single submitter. Criteria: Invitae Variant Classification Sherloc (09022015). Collection method: clinical testing. Allele origin: germline.
Comment: This variant is present in population databases (no rsID available, gnomAD 0.003%). This sequence change falls in intron 1 of the BBS10 gene. It does not directly change the encoded amino acid sequence of the BBS10 protein. It affects a nucleotide within the consensus splice site. This variant has not been reported in the literature in individuals affected with BBS10-related conditions. ClinVar contains an entry for this variant (Variation ID: 1507595). Variants that disrupt the consensus splice site are a relatively common cause of aberrant splicing (PMID: 17576681, 9536098). Algorithms developed to predict the effect of sequence changes on RNA splicing suggest that this variant is not likely to affect RNA splicing. In summary, the available evidence is currently insufficient to determine the role of this variant in disease. Therefore, it has been classified as a Variant of Uncertain Significance.

PreventionGenetics, part of Exact Sciences
Classification: Likely benign for BBS10-related condition. Last evaluated: 2020-07-28. Review status: no assertion criteria provided. Collection method: clinical testing. Allele origin: germline. Not counted in ClinVar's aggregate classification.
Comment: This variant is classified as likely benign based on ACMG/AMP sequence variant interpretation guidelines (Richards et al. 2015 PMID: 25741868, with internal and published modifications).

Literature cited by the submitters: PubMed 17576681 (cited by Labcorp Genetics (formerly Invitae), Labcorp); PubMed 9536098 (cited by Labcorp Genetics (formerly Invitae), Labcorp).

NM_024685.4(BBS10):c.197+5C>T

Gene: BBS10 (Bardet-Biedl syndrome 10; minus strand). Cytogenetic location: 12q21.2.
Variant type: single nucleotide variant.
Coding change: c.197+5C>T on transcript NM_024685.4 (MANE Select); 5 bases into the intron after coding-DNA position 197, C replaced by T.
Molecular consequence: intron variant.
Genome position (GRCh38, 1-based): chr12:76,348,157, G>A on the plus strand (C>T on the coding strand, the complement: BBS10 is on the minus strand). VCF-style: chr12-76348157-G-A. GRCh37 (hg19) VCF-style: chr12-76741937-G-A.
Other names: c.197+5C>T (NM_024685.3).
Identifiers: ClinVar variation 1507595 (VCV001507595.8), dbSNP rs754503828, ClinGen allele CA606185932.